The following is an entry in ClinVar:

NM_022168.4(IFIH1):c.1142T>C (p.Leu381Ser)

Gene: IFIH1 (interferon induced with helicase C domain 1; minus strand). Cytogenetic location: 2q24.2.
Variant type: single nucleotide variant.
Coding change: c.1142T>C on transcript NM_022168.4 (MANE Select); coding-DNA position 1142, T replaced by C.
Protein change: p.Leu381Ser; replaces leucine 381 with serine.
Molecular consequence: missense variant.
Genome position (GRCh38, 1-based): chr2:162,282,530, A>G on the plus strand (T>C on the coding strand, the complement: IFIH1 is on the minus strand). VCF-style: chr2-162282530-A-G. GRCh37 (hg19) VCF-style: chr2-163139040-A-G.
Other names: c.1142T>C, p.Leu381Ser (LRG_1235t1); short protein forms L381S.
Identifiers: ClinVar variation 646143 (VCV000646143.8), dbSNP rs764148204, ClinGen allele CA1934603.
Genomic context (GRCh38, chr2:162,282,530, plus strand): 5'-GGAAATGATATTTTCAGTTGGGTATCACCACTTAATCCAATAACACGATACCATTTCTTC[A>G]AAAATGGTTGGAACTCCTTGCGGAAGAGCTGTTCAACTAGCAGTACCTTAAAAAAATGTG-3'
Protein context (NP_071451.2, residues 371-391): QLFRKEFQPF[Leu381Ser]KKWYRVIGLS

ClinVar aggregate classification (germline): Uncertain significance. Review status: criteria provided, single submitter (1 of 4 stars). 2 submissions from 2 submitters: Uncertain significance (1). 1 of the submissions does not count toward it. Last evaluated 2026-01-28.

Conditions:
Aicardi-Goutieres syndrome 7 (AGS7). Identifiers: Orphanet 51, MedGen C3888244, MONDO:0014367, OMIM 615846.
Singleton-Merten syndrome 1 (SGMRT1). Also called: Widened medullary cavities of bone, aortic calcification, abnormal dentition, and muscular weakness; Syndrome of widened medullary cavities of the metacarpals and phalanges, aortic calcification and abnormal dentition. Identifiers: Orphanet 85191, MedGen C4225427, MONDO:0024535, OMIM 182250.
IFIH1-related disorder. Also called: IFIH1-related condition.

Allele frequency attached by ClinVar (database versions not stated): gnomAD exomes 0.00002 and 0.00008; ExAC 0.00003; gnomAD 0.00001; TOPMed 0.00003.

Submissions (2):

Labcorp Genetics (formerly Invitae), Labcorp
Classification: Uncertain significance for Aicardi-Goutieres syndrome 7; Singleton-Merten syndrome 1. Last evaluated: 2026-01-28. Review status: criteria provided, single submitter. Criteria: Invitae Variant Classification Sherloc (09022015). Collection method: clinical testing. Allele origin: germline.
Comment: This sequence change replaces leucine, which is neutral and non-polar, with serine, which is neutral and polar, at codon 381 of the IFIH1 protein (p.Leu381Ser). This variant is present in population databases (rs764148204, gnomAD 0.005%). This variant has not been reported in the literature in individuals affected with IFIH1-related conditions. This missense change has been observed in at least one individual who was not affected with IFIH1-related conditions (internal data). ClinVar contains an entry for this variant (Variation ID: 646143). Invitae Evidence Modeling of protein sequence and biophysical properties (such as structural, functional, and spatial information, amino acid conservation, physicochemical variation, residue mobility, and thermodynamic stability) has been performed for this missense variant. However, the output from this modeling did not meet the statistical confidence thresholds required to predict the impact of this variant on IFIH1 protein function. In summary, the available evidence is currently insufficient to determine the role of this variant in disease. Therefore, it has been classified as a Variant of Uncertain Significance.

PreventionGenetics, part of Exact Sciences
Classification: Uncertain significance for IFIH1-related condition. Last evaluated: 2024-03-01. Review status: no assertion criteria provided. Collection method: clinical testing. Allele origin: germline. Not counted in ClinVar's aggregate classification.
Comment: The IFIH1 c.1142T>C variant is predicted to result in the amino acid substitution p.Leu381Ser. To our knowledge, this variant has not been reported in the literature. This variant is reported in 0.0053% of alleles in individuals of European (Non-Finnish) descent in gnomAD. At this time, the clinical significance of this variant is uncertain due to the absence of conclusive functional and genetic evidence.